The following is an entry in ClinVar:

NM_001164277.2(SLC37A4):c.919A>G (p.Met307Val)

Gene: SLC37A4 (solute carrier family 37 member 4; minus strand). Cytogenetic location: 11q23.3.
Variant type: single nucleotide variant.
Coding change: c.919A>G on transcript NM_001164277.2 (MANE Select); coding-DNA position 919, A replaced by G.
Protein change: p.Met307Val; replaces methionine 307 with valine.
Molecular consequence: missense variant.
Genome position (GRCh38, 1-based): chr11:119,026,032, T>C on the plus strand (A>G on the coding strand, the complement: SLC37A4 is on the minus strand). VCF-style: chr11-119026032-T-C. GRCh37 (hg19) VCF-style: chr11-118896742-T-C.
Other names: c.919A>G, p.Met307Val (NM_001164278.2, NM_001164280.2, NM_001467.6); c.700A>G, p.Met234Val (NM_001164279.2); short protein forms M234V, M307V.
Identifiers: ClinVar variation 2143661 (VCV002143661.4), dbSNP rs782377148, ClinGen allele CA6311691.

ClinVar aggregate classification (germline): Uncertain significance (1 of 4 stars; one submission).

Conditions:
Glucose-6-phosphate transport defect (GSD1B). Also called: GSD Ib; Glycogen Storage Disease Type Ib. Identifiers: Orphanet 364, Orphanet 79259, MedGen C0268146, MONDO:0009288, OMIM 232220.

Allele frequency attached by ClinVar (database versions not stated): ExAC 0.00004.

Submission:

Labcorp Genetics (formerly Invitae), Labcorp
Classification: Uncertain significance for Glucose-6-phosphate transport defect. Last evaluated: 2023-09-17. Review status: criteria provided, single submitter. Criteria: Invitae Variant Classification Sherloc (09022015). Collection method: clinical testing. Allele origin: germline.
Comment: Advanced modeling of protein sequence and biophysical properties (such as structural, functional, and spatial information, amino acid conservation, physicochemical variation, residue mobility, and thermodynamic stability) performed at Invitae indicates that this missense variant is not expected to disrupt SLC37A4 protein function. In summary, the available evidence is currently insufficient to determine the role of this variant in disease. Therefore, it has been classified as a Variant of Uncertain Significance. ClinVar contains an entry for this variant (Variation ID: 2143661). This variant has not been reported in the literature in individuals affected with SLC37A4-related conditions. This variant is present in population databases (rs782377148, gnomAD 0.02%). This sequence change replaces methionine, which is neutral and non-polar, with valine, which is neutral and non-polar, at codon 307 of the SLC37A4 protein (p.Met307Val).